The following is an entry in ClinVar:

NM_001111125.3(IQSEC2):c.1312G>A (p.Gly438Arg)

Gene: IQSEC2 (IQ motif and Sec7 domain ArfGEF 2; minus strand). Cytogenetic location: Xp11.22.
Variant type: single nucleotide variant.
Coding change: c.1312G>A on transcript NM_001111125.3 (MANE Select); coding-DNA position 1312, G replaced by A.
Protein change: p.Gly438Arg; replaces glycine 438 with arginine.
Molecular consequence: missense variant.
Genome position (GRCh38, 1-based): chrX:53,254,619, C>T on the plus strand (G>A on the coding strand, the complement: IQSEC2 is on the minus strand). VCF-style: chrX-53254619-C-T. GRCh37 (hg19) VCF-style: chrX-53283801-C-T.
Other names: c.1312G>A, p.Gly438Arg (NM_001410736.1); c.697G>A, p.Gly233Arg (NM_015075.2); short protein forms G438R, G233R.
Identifiers: ClinVar variation 3634906 (VCV003634906.2).
Genomic context (GRCh38, chrX:53,254,619, plus strand): 5'-TGATGTCATTAGAAAACTCTCCAGATGTGGTGACGGAGCTTCCACCACCATCGATGCCCC[C>T]ACCACAGGAGCCTCCATATGGGAGCCCCCGTTCAAGCCGGTGGCTCCGGGCACCAGCCAT-3'
Protein context (NP_001104595.1, residues 428-448): RGLPYGGSCG[Gly438Arg]GIDGGGSSVT

ClinVar aggregate classification (germline): Uncertain significance (1 of 4 stars; one submission).

Conditions:
Intellectual developmental disorder, X-linked 1. Also called: Atkin Flaitz Patil Smith syndrome; MENTAL RETARDATION, X-LINKED 18; MENTAL RETARDATION, X-LINKED 78; Intellectual disability, X-linked 1. Identifiers: Orphanet 777, MedGen C2931498, MONDO:0010656, OMIM 309530.

Submission:

Labcorp Genetics (formerly Invitae), Labcorp
Classification: Uncertain significance for Intellectual developmental disorder, X-linked 1. Last evaluated: 2024-09-20. Review status: criteria provided, single submitter. Criteria: Invitae Variant Classification Sherloc (09022015). Collection method: clinical testing. Allele origin: germline.
Comment: This sequence change replaces glycine, which is neutral and non-polar, with arginine, which is basic and polar, at codon 438 of the IQSEC2 protein (p.Gly438Arg). This variant is not present in population databases (gnomAD no frequency). This variant has not been reported in the literature in individuals affected with IQSEC2-related conditions. Invitae Evidence Modeling of protein sequence and biophysical properties (such as structural, functional, and spatial information, amino acid conservation, physicochemical variation, residue mobility, and thermodynamic stability) indicates that this missense variant is not expected to disrupt IQSEC2 protein function with a negative predictive value of 95%. In summary, the available evidence is currently insufficient to determine the role of this variant in disease. Therefore, it has been classified as a Variant of Uncertain Significance.